The following is an entry in ClinVar:

ClinVar aggregate classification (germline): Uncertain significance (1 of 4 stars; one submission).

gnomAD v4.1: 11 of 1,550,618 alleles (0.00071%); highest among the groups gnomAD compares: Non-Finnish European, 0.00096%; no homozygotes.

Submission:

CeGaT Center for Human Genetics Tuebingen
Classification: Uncertain significance. Last evaluated: 2026-09-01. Review status: criteria provided, single submitter. Criteria: CeGaT Center For Human Genetics Tuebingen Variant Classification Criteria Version 2. Collection method: clinical testing. Allele origin: germline. Affected: yes. Observed: 1 variant allele.
Comment: CDHR1: PM2, BP4

NM_001171971.3(CDHR1):c.2151G>T (p.Leu717Phe)

Gene: CDHR1 (cadherin related family member 1; plus strand). Cytogenetic location: 10q23.1.
Variant type: single nucleotide variant.
Coding change: c.2151G>T on transcript NM_001171971.3; coding-DNA position 2151, G replaced by T.
Protein change: p.Leu717Phe; replaces leucine 717 with phenylalanine.
Molecular consequence: missense variant.
Genome position (GRCh38, 1-based): chr10:84,219,189, G>T. VCF-style: chr10-84219189-G-T. GRCh37 (hg19) VCF-style: chr10-85978945-G-T.
Other names: short protein forms L717F.
Identifiers: ClinVar variation 5041032 (VCV005041032.1).